The following is an entry in ClinVar:

NM_012452.3(TNFRSF13B):c.532T>C (p.Phe178Leu)

Gene: TNFRSF13B (TNF receptor superfamily member 13B; minus strand). Cytogenetic location: 17p11.2.
Variant type: single nucleotide variant.
Coding change: c.532T>C on transcript NM_012452.3 (MANE Select); coding-DNA position 532, T replaced by C.
Protein change: p.Phe178Leu; replaces phenylalanine 178 with leucine.
Molecular consequence: missense variant.
Genome position (GRCh38, 1-based): chr17:16,940,425, A>G on the plus strand (T>C on the coding strand, the complement: TNFRSF13B is on the minus strand). VCF-style: chr17-16940425-A-G. GRCh37 (hg19) VCF-style: chr17-16843739-A-G.
Other names: short protein forms F178L.
Identifiers: ClinVar variation 538712 (VCV000538712.5), dbSNP rs764319738, ClinGen allele CA8413959.

ClinVar aggregate classification (germline): Uncertain significance (1 of 4 stars; one submission).

Conditions:
Immunodeficiency, common variable, 2 (CVID2). Also called: ANTIBODY DEFICIENCY DUE TO TACI DEFECT; HYPOGAMMAGLOBULINEMIA DUE TO TACI DEFICIENCY. Identifiers: Orphanet 1572, MedGen C3150354, MONDO:0009413, OMIM 240500.

Allele frequency attached by ClinVar (database versions not stated): ExAC 0.00001; gnomAD exomes below 0.00001.
gnomAD v4.1: 6 of 1,614,106 alleles (0.00037%); highest among the groups gnomAD compares: Non-Finnish European, 0.00042%; no homozygotes.

Submission:

Labcorp Genetics (formerly Invitae), Labcorp
Classification: Uncertain significance for Immunodeficiency, common variable, 2. Last evaluated: 2017-11-17. Review status: criteria provided, single submitter. Criteria: Invitae Variant Classification Sherloc (09022015). Collection method: clinical testing. Allele origin: germline.
Comment: In summary, the available evidence is currently insufficient to determine the role of this variant in disease. Therefore, it has been classified as a Variant of Uncertain Significance. Algorithms developed to predict the effect of missense changes on protein structure and function do not agree on the potential impact of this missense change (SIFT: "Tolerated"; PolyPhen-2: "Possibly Damaging"; Align-GVGD: "Class C0"). This variant has not been reported in the literature in individuals with TNFRSF13B-related disease. This variant is present in population databases (rs764319738, ExAC 0.002%). This sequence change replaces phenylalanine with leucine at codon 178 of the TNFRSF13B protein (p.Phe178Leu). The phenylalanine residue is highly conserved and there is a small physicochemical difference between phenylalanine and leucine.